The following is an entry in ClinVar:

NM_015261.3(NCAPD3):c.1839C>T (p.Cys613=)

Gene: NCAPD3 (non-SMC condensin II complex subunit D3; minus strand). Cytogenetic location: 11q25.
Variant type: single nucleotide variant.
Coding change: c.1839C>T on transcript NM_015261.3 (MANE Select); coding-DNA position 1839, C replaced by T.
Protein change: p.Cys613=; no amino-acid change (cysteine 613 retained).
Molecular consequence: synonymous variant.
Genome position (GRCh38, 1-based): chr11:134,192,895, G>A on the plus strand (C>T on the coding strand, the complement: NCAPD3 is on the minus strand). VCF-style: chr11-134192895-G-A. GRCh37 (hg19) VCF-style: chr11-134062790-G-A.
Other names: c.1839C>T, p.Cys613= (NM_001372065.1, NM_001372068.1); c.1425C>T, p.Cys475= (NM_001372069.1, NM_001372070.1).
Identifiers: ClinVar variation 3040326 (VCV003040326.2), dbSNP rs753509301, ClinGen allele CA6371500.

ClinVar aggregate classification (germline): Likely benign (0 of 4 stars; one submission).

Conditions:
NCAPD3-related disorder. Also called: NCAPD3-related condition.

Allele frequency attached by ClinVar (database versions not stated): gnomAD exomes 0.00007; gnomAD 0.00011; TOPMed 0.00016; ExAC 0.00018.
gnomAD v4.1: 131 of 1,605,462 alleles (0.0082%); highest among the groups gnomAD compares: South Asian, 0.053%; no homozygotes.

Submission:

PreventionGenetics, part of Exact Sciences
Classification: Likely benign for NCAPD3-related condition. Last evaluated: 2019-10-28. Review status: no assertion criteria provided. Collection method: clinical testing. Allele origin: germline.
Comment: This variant is classified as likely benign based on ACMG/AMP sequence variant interpretation guidelines (Richards et al. 2015 PMID: 25741868, with internal and published modifications).